The following is an entry in ClinVar:

NM_004304.5(ALK):c.4613G>T (p.Ser1538Ile)

Gene: ALK (ALK receptor tyrosine kinase; minus strand). Cytogenetic location: 2p23.2.
Variant type: single nucleotide variant.
Coding change: c.4613G>T on transcript NM_004304.5 (MANE Select); coding-DNA position 4613, G replaced by T.
Protein change: p.Ser1538Ile; replaces serine 1538 with isoleucine.
Molecular consequence: missense variant.
Genome position (GRCh38, 1-based): chr2:29,193,474, C>A on the plus strand (G>T on the coding strand, the complement: ALK is on the minus strand). VCF-style: chr2-29193474-C-A. GRCh37 (hg19) VCF-style: chr2-29416340-C-A.
Other names: c.1409G>T, p.Ser470Ile (NM_001353765.2); short protein forms S1538I, S470I.
Identifiers: ClinVar variation 538261 (VCV000538261.8), dbSNP rs1553386937, ClinGen allele CA346460597.

ClinVar aggregate classification (germline): Uncertain significance (1 of 4 stars; one submission).

Conditions:
Neuroblastoma, susceptibility to, 3. Also called: ALK-Related Neuroblastic Tumor Susceptibility. Identifiers: Orphanet 635, MedGen C2751681, MONDO:0013083, OMIM 613014.

gnomAD v4.1: 1 of 1,614,196 alleles (0.000062%); highest among the groups gnomAD compares: Non-Finnish European, 0.000085%; no homozygotes.

Submission:

Labcorp Genetics (formerly Invitae), Labcorp
Classification: Uncertain significance for Neuroblastoma, susceptibility to, 3. Last evaluated: 2023-10-27. Review status: criteria provided, single submitter. Criteria: Invitae Variant Classification Sherloc (09022015). Collection method: clinical testing. Allele origin: germline.
Comment: This sequence change replaces serine, which is neutral and polar, with isoleucine, which is neutral and non-polar, at codon 1538 of the ALK protein (p.Ser1538Ile). This variant is not present in population databases (gnomAD no frequency). This variant has not been reported in the literature in individuals affected with ALK-related conditions. ClinVar contains an entry for this variant (Variation ID: 538261). An algorithm developed to predict the effect of missense changes on protein structure and function (PolyPhen-2) suggests that this variant is likely to be tolerated. In summary, the available evidence is currently insufficient to determine the role of this variant in disease. Therefore, it has been classified as a Variant of Uncertain Significance.